The following is an entry in ClinVar:

ClinVar aggregate classification (germline): Uncertain significance (1 of 4 stars; one submission).

Submission:

Labcorp Genetics (formerly Invitae), Labcorp
Classification: Uncertain significance. Last evaluated: 2022-04-29. Review status: criteria provided, single submitter. Criteria: Invitae Variant Classification Sherloc (09022015). Collection method: clinical testing. Allele origin: germline.
Comment: Experimental studies and prediction algorithms are not available or were not evaluated, and the functional significance of this variant is currently unknown. In summary, the available evidence is currently insufficient to determine the role of this variant in disease. Therefore, it has been classified as a Variant of Uncertain Significance. This variant has not been reported in the literature in individuals affected with KIZ-related conditions. This sequence change replaces threonine, which is neutral and polar, with alanine, which is neutral and non-polar, at codon 449 of the KIZ protein (p.Thr449Ala). This variant is not present in population databases (gnomAD no frequency).

NM_018474.6(KIZ):c.1345A>G (p.Thr449Ala)

Gene: KIZ (kizuna centrosomal protein; plus strand). Cytogenetic location: 20p11.23.
Variant type: single nucleotide variant.
Coding change: c.1345A>G on transcript NM_018474.6 (MANE Select); coding-DNA position 1345, A replaced by G.
Protein change: p.Thr449Ala; replaces threonine 449 with alanine.
Molecular consequence: missense variant.
Genome position (GRCh38, 1-based): chr20:21,163,152, A>G. VCF-style: chr20-21163152-A-G. GRCh37 (hg19) VCF-style: chr20-21143793-A-G.
Other names: c.1036A>G, p.Thr346Ala (NM_001163022.3, NM_001352435.2); c.946A>G, p.Thr316Ala (NM_001163023.3); c.1198A>G, p.Thr400Ala (NM_001276389.2); c.1345A>G, p.Thr449Ala (NM_001352434.2); c.1003A>G, p.Thr335Ala (NM_001352436.2); short protein forms T400A, T335A, T316A, T346A, T449A.
Identifiers: ClinVar variation 2061473 (VCV002061473.4), dbSNP rs2033768806, ClinGen allele CA408493980.